The following is an entry in ClinVar:

ClinVar aggregate classification (germline): Uncertain significance (1 of 4 stars; one submission).

Submission:

Labcorp Genetics (formerly Invitae), Labcorp
Classification: Uncertain significance. Last evaluated: 2021-11-18. Review status: criteria provided, single submitter. Criteria: Invitae Variant Classification Sherloc (09022015). Collection method: clinical testing. Allele origin: germline.
Comment: This variant, c.2358_2363del, results in the deletion of 2 amino acid(s) of the CUX1 protein (p.Ser787_Ala788del), but otherwise preserves the integrity of the reading frame. This variant is not present in population databases (gnomAD no frequency). This variant has not been reported in the literature in individuals affected with CUX1-related conditions. Experimental studies and prediction algorithms are not available or were not evaluated, and the functional significance of this variant is currently unknown. In summary, the available evidence is currently insufficient to determine the role of this variant in disease. Therefore, it has been classified as a Variant of Uncertain Significance.

NM_181552.4(CUX1):c.2325_2330del (p.Ser776_Ala777del)

Gene: CUX1 (cut like homeobox 1; plus strand). Cytogenetic location: 7q22.1.
Variant type: Deletion.
Coding change: c.2325_2330del on transcript NM_181552.4 (MANE Select); coding-DNA positions 2325 to 2330, 6 bases deleted (CTCTGC; older notation c.2325_2330delCTCTGC).
Protein change: p.Ser776_Ala777del.
Molecular consequence: inframe deletion. On other transcripts: intron variant (5).
Genome position (GRCh38, 1-based): chr7:102,201,622-102,201,627, CTCTGC deleted; deleting any 6 consecutive bases within chr7:102,201,619-102,201,627 gives the same sequence; the c. name uses the placement nearest the transcript's 3' end. VCF-style (leftmost placement, unchanged base first): chr7-102201618-GTGCCTC-G. GRCh37 (hg19) VCF-style: chr7-101844898-GTGCCTC-G.
Other names: c.2358_2363del, p.Ser787_Ala788del (NM_001202543.2); c.1255+6019_1255+6024del (NM_001913.5); c.1249+6019_1249+6024del (NM_181500.4); c.1117+6019_1117+6024del (NM_001202545.3); c.1207+6019_1207+6024del (NM_001202544.3); c.1138+6019_1138+6024del (NM_001202546.3).
Identifiers: ClinVar variation 1350301 (VCV001350301.1), dbSNP rs2132034450, ClinGen allele CA2573141426.